The following is an entry in ClinVar:

ClinVar aggregate classification (germline): Uncertain significance (1 of 4 stars; one submission).

Conditions:
Osteogenesis imperfecta type 8 (OI8). Identifiers: MedGen C1970458, MONDO:0012581, OMIM 610915.

Submission:

Labcorp Genetics (formerly Invitae), Labcorp
Classification: Uncertain significance for Osteogenesis imperfecta type 8. Last evaluated: 2018-09-24. Review status: criteria provided, single submitter. Criteria: Invitae Variant Classification Sherloc (09022015). Collection method: clinical testing. Allele origin: germline.
Comment: This sequence change falls in intron 13 of the P3H1 gene. It does not directly change the encoded amino acid sequence of the P3H1 protein, but it affects a nucleotide within the consensus splice site of the intron. This variant is not present in population databases (ExAC no frequency). This variant has not been reported in the literature in individuals with P3H1-related disease. Nucleotide substitutions within the consensus splice site are a relatively common cause of aberrant splicing (PMID: 17576681, 9536098). Algorithms developed to predict the effect of sequence changes on RNA splicing suggest that this variant may disrupt the consensus splice site, but this prediction has not been confirmed by published transcriptional studies. In summary, the available evidence is currently insufficient to determine the role of this variant in disease. Therefore, it has been classified as a Variant of Uncertain Significance.

Literature cited by the submitters: PubMed 17576681; PubMed 9536098.

NM_022356.4(P3H1):c.1914+5G>C

Gene: P3H1 (prolyl 3-hydroxylase 1; minus strand). Cytogenetic location: 1p34.2.
Variant type: single nucleotide variant.
Coding change: c.1914+5G>C on transcript NM_022356.4 (MANE Select); 5 bases into the intron after coding-DNA position 1914, G replaced by C.
Molecular consequence: intron variant.
Genome position (GRCh38, 1-based): chr1:42,747,718, C>G on the plus strand (G>C on the coding strand, the complement: P3H1 is on the minus strand). VCF-style: chr1-42747718-C-G. GRCh37 (hg19) VCF-style: chr1-43213389-C-G.
Other names: c.1914+5G>C (NM_001146289.2, NM_001243246.2).
Identifiers: ClinVar variation 655674 (VCV000655674.3), dbSNP rs1570454763, ClinGen allele CA915941220.